The following is an entry in ClinVar:

ClinVar aggregate classification (germline): Pathogenic (1 of 4 stars; one submission).

Conditions:
Pontocerebellar hypoplasia type 2D (PCH2D). Also called: Progressive cerebello-cerebral atrophy. Identifiers: Orphanet 247198, Orphanet 2524, MedGen C3151140, MONDO:0013438, OMIM 613811.

Submission:

Myriad Genetics, Inc.
Classification: Pathogenic for Pontocerebellar hypoplasia type 2D. Last evaluated: 2025-07-09. Review status: criteria provided, single submitter. Criteria: Myriad Autosomal Dominant, Autosomal Recessive and X-Linked Classification Criteria (2023). Collection method: clinical testing. Allele origin: unknown.
Comment: NM_016955.3(SEPSECS):c.568G>T(E190*) is a nonsense variant classified as pathogenic in the context of pontocerebellar hypoplasia, SEPSECS-related. E190* has not been observed in cases with relevant disease. Relevant functional assessments of this variant are not available in the literature. E190* has not been observed in referenced population frequency databases. In summary, NM_016955.3(SEPSECS):c.568G>T(E190*) is a nonsense variant in a gene where loss of function is a known mechanism of disease and is predicted to disrupt protein function. Please note: this variant was assessed in the context of healthy population screening.

NM_016955.4(SEPSECS):c.568G>T (p.Glu190Ter)

Gene: SEPSECS (Sep (O-phosphoserine) tRNA:Sec (selenocysteine) tRNA synthase; minus strand). Cytogenetic location: 4p15.2.
Variant type: single nucleotide variant.
Coding change: c.568G>T on transcript NM_016955.4 (MANE Select); coding-DNA position 568, G replaced by T.
Protein change: p.Glu190Ter; replaces glutamic acid 190 with a stop codon.
Molecular consequence: nonsense.
Genome position (GRCh38, 1-based): chr4:25,155,131, C>A on the plus strand (G>T on the coding strand, the complement: SEPSECS is on the minus strand). VCF-style: chr4-25155131-C-A. GRCh37 (hg19) VCF-style: chr4-25156753-C-A.
Other names: c.823G>T, p.Glu275Ter (NM_001410714.1); short protein forms E190*, E275*.
Identifiers: ClinVar variation 4081793 (VCV004081793.1).